The following is an entry in ClinVar:

NM_003922.4(HERC1):c.12488A>G (p.Tyr4163Cys)

Gene: HERC1 (HECT and RLD domain containing E3 ubiquitin protein ligase family member 1; minus strand). Cytogenetic location: 15q22.31.
Variant type: single nucleotide variant.
Coding change: c.12488A>G on transcript NM_003922.4 (MANE Select); coding-DNA position 12488, A replaced by G.
Protein change: p.Tyr4163Cys; replaces tyrosine 4163 with cysteine.
Molecular consequence: missense variant.
Genome position (GRCh38, 1-based): chr15:63,634,815, T>C on the plus strand (A>G on the coding strand, the complement: HERC1 is on the minus strand). VCF-style: chr15-63634815-T-C. GRCh37 (hg19) VCF-style: chr15-63927014-T-C.
Other names: short protein forms Y4163C.
Identifiers: ClinVar variation 3027201 (VCV003027201.22), dbSNP rs1438499204, ClinGen allele CA392740021.
Genomic context (GRCh38, chr15:63,634,815, plus strand): 5'-AGTGCAGTCACTCTCTCTGGAAGTTTTTTGTTAGAGGTATTTCCAAGACCCAGACGACCA[T>C]AGTCACCATTCCCAAAGGTGAACAGTTTGCCATCTGAAGTGACCACTGCTGAGTGCTTGA-3'
Protein context (NP_003913.3, residues 4153-4173): GKLFTFGNGD[Tyr4163Cys]GRLGLGNTSN

ClinVar aggregate classification (germline): Uncertain significance (1 of 4 stars; one submission).

Allele frequency attached by ClinVar (database versions not stated): gnomAD exomes below 0.00001.
gnomAD v4.1: 2 of 1,613,266 alleles (0.00012%); highest among the groups gnomAD compares: Non-Finnish European, 0.00017%; no homozygotes.

Submission:

CeGaT Center for Human Genetics Tuebingen
Classification: Uncertain significance. Last evaluated: 2024-02-01. Review status: criteria provided, single submitter. Criteria: CeGaT Center For Human Genetics Tuebingen Variant Classification Criteria Version 2. Collection method: clinical testing. Allele origin: germline. Affected: yes. Observed: 1 variant allele.
Comment: HERC1: PM2, PP3